The following is an entry in ClinVar:

NM_000343.4(SLC5A1):c.*2257A>G

Gene: SLC5A1 (solute carrier family 5 member 1; plus strand). Cytogenetic location: 22q12.3.
Variant type: single nucleotide variant.
Coding change: c.*2257A>G on transcript NM_000343.4 (MANE Select); 2257 bases downstream of the stop codon, A replaced by G.
Molecular consequence: 3 prime UTR variant.
Genome position (GRCh38, 1-based): chr22:32,112,470, A>G. VCF-style: chr22-32112470-A-G. GRCh37 (hg19) VCF-style: chr22-32508457-A-G.
Other names: c.*2257A>G (NM_001256314.2).
Identifiers: ClinVar variation 341296 (VCV000341296.6), dbSNP rs5753868, ClinGen allele CA10653373.

ClinVar aggregate classification (germline): Benign. Review status: criteria provided, multiple submitters, no conflicts (2 of 4 stars). 2 submissions from 2 submitters: Benign (2). Last evaluated 2018-01-12.

Conditions:
Congenital glucose-galactose malabsorption (GGM). Also called: MONOSACCHARIDE MALABSORPTION; DIARRHEA 16. Identifiers: Orphanet 35710, MedGen C0268186, MONDO:0011731, OMIM 606824.

Allele frequency attached by ClinVar (database versions not stated): gnomAD 0.92649 and 0.92786; TOPMed 0.93199; 1000 Genomes Project 30x 0.96034; 1000 Genomes Project 0.96366; gnomAD exomes 1.00000.
gnomAD v4.1: 141,333 of 152,306 alleles (93%); highest among the groups gnomAD compares: East Asian, 100%; 65,652 homozygotes.

Submissions (2):

Illumina Laboratory Services, Illumina
Classification: Benign for Congenital glucose-galactose malabsorption. Last evaluated: 2018-01-12. Review status: criteria provided, single submitter. Criteria: ICSL Variant Classification Criteria 13 December 2019. Collection method: clinical testing. Allele origin: germline.
Comment: This variant was observed in the ICSL laboratory as part of a predisposition screen in an ostensibly healthy population. It had not been previously curated by ICSL or reported in the Human Gene Mutation Database (HGMD: prior to June 1st, 2018), and was therefore a candidate for classification through an automated scoring system. Utilizing variant allele frequency, disease prevalence and penetrance estimates, and inheritance mode, an automated score was calculated to assess if this variant is too frequent to cause the disease. Based on the score and internal cut-off values, a variant classified as benign is not then subjected to further curation. The score for this variant resulted in a classification of benign for this disease.

Breakthrough Genomics
Classification: Benign. Review status: criteria provided, single submitter. Criteria: ACMG Guidelines, 2015. Collection method: not provided. Allele origin: germline. Inheritance: Autosomal recessive inheritance. Affected: yes.